The following is an entry in ClinVar:

ClinVar aggregate classification (germline): Uncertain significance (1 of 4 stars; one submission).

gnomAD v4.1: 1 of 1,613,560 alleles (0.000062%); highest among the groups gnomAD compares: Non-Finnish European, 0.000085%; no homozygotes.

Submission:

Ambry Genetics
Classification: Uncertain significance. Last evaluated: 2024-04-01. Review status: criteria provided, single submitter. Criteria: Ambry Variant Classification Scheme 2023. Collection method: clinical testing. Allele origin: germline.
Comment: The p.Q2381R variant (also known as c.7142A>G), located in coding exon 25 of the POLQ gene, results from an A to G substitution at nucleotide position 7142. The glutamine at codon 2381 is replaced by arginine, an amino acid with highly similar properties. This amino acid position is conserved. In addition, the in silico prediction for this alteration is inconclusive. Based on the available evidence, the clinical significance of this alteration remains unclear.

NM_199420.4(POLQ):c.7142A>G (p.Gln2381Arg)

Gene: POLQ (DNA polymerase theta; minus strand). Cytogenetic location: 3q13.33.
Variant type: single nucleotide variant.
Coding change: c.7142A>G on transcript NM_199420.4 (MANE Select); coding-DNA position 7142, A replaced by G.
Protein change: p.Gln2381Arg; replaces glutamine 2381 with arginine.
Molecular consequence: missense variant.
Genome position (GRCh38, 1-based): chr3:121,460,060, T>C on the plus strand (A>G on the coding strand, the complement: POLQ is on the minus strand). VCF-style: chr3-121460060-T-C. GRCh37 (hg19) VCF-style: chr3-121178907-T-C.
Other names: short protein forms Q2381R.
Identifiers: ClinVar variation 3308612 (VCV003308612.1).